The following is an entry in ClinVar:

ClinVar aggregate classification (germline): Uncertain significance (1 of 4 stars; one submission).

Conditions:
Kabuki syndrome 1 (KABUK1). Also called: KMT2D-Related Kabuki Syndrome. Identifiers: Orphanet 2322, MedGen CN030661, MONDO:0007843, OMIM 147920.

Submission:

3billion
Classification: Uncertain significance for Kabuki syndrome 1. Last evaluated: 2022-03-22. Review status: criteria provided, single submitter. Criteria: ACMG Guidelines, 2015. Collection method: clinical testing. Allele origin: germline. Affected: yes. Observed: 1 heterozygote.
Comment: The variant is not observed in the gnomAD v2.1.1 dataset. In silico tool predictions suggest damaging effect of the variant on gene or gene product (REVEL: 0.606>=0.6, SPLICEAI: 0.67). Therefore, this variant is classified as uncertain significance according to the recommendation of ACMG/AMP guideline.

NM_003482.4(KMT2D):c.14075G>T (p.Arg4692Met)

Gene: KMT2D (lysine methyltransferase 2D; minus strand). Cytogenetic location: 12q13.12.
Variant type: single nucleotide variant.
Coding change: c.14075G>T on transcript NM_003482.4 (MANE Select); coding-DNA position 14075, G replaced by T.
Protein change: p.Arg4692Met; replaces arginine 4692 with methionine.
Molecular consequence: missense variant.
Genome position (GRCh38, 1-based): chr12:49,029,401, C>A on the plus strand (G>T on the coding strand, the complement: KMT2D is on the minus strand). VCF-style: chr12-49029401-C-A. GRCh37 (hg19) VCF-style: chr12-49423184-C-A.
Other names: short protein forms R4692M.
Identifiers: ClinVar variation 1526058 (VCV001526058.1), dbSNP rs1942774184, ClinGen allele CA384699301.